The following is an entry in ClinVar:

NM_182972.3(IRF2BP2):c.897C>T (p.Val299=)

Gene: IRF2BP2 (interferon regulatory factor 2 binding protein 2; minus strand). Cytogenetic location: 1q42.3.
Variant type: single nucleotide variant.
Coding change: c.897C>T on transcript NM_182972.3 (MANE Select); coding-DNA position 897, C replaced by T.
Protein change: p.Val299=; no amino-acid change (valine 299 retained).
Molecular consequence: synonymous variant.
Genome position (GRCh38, 1-based): chr1:234,608,598, G>A on the plus strand (C>T on the coding strand, the complement: IRF2BP2 is on the minus strand). VCF-style: chr1-234608598-G-A. GRCh37 (hg19) VCF-style: chr1-234744344-G-A.
Other names: c.897C>T (NM_182972.2); c.897C>T, p.Val299= (NM_001077397.1).
Identifiers: ClinVar variation 1559713 (VCV001559713.10), dbSNP rs146468937, ClinGen allele CA1461737.
Genomic context (GRCh38, chr1:234,608,598, plus strand): 5'-CCCCGAGTGGCCGTGCTGGTGCAGCGCCAGCAGCGTGTCGCGCACGGTCTTGGGCCTGTT[G>A]ACCCAGTCCTGCTCTCCAGACCCGCGGCTCTTGCCCGCACCTTCCGCGCTCAGCTCGGCG-3'
Protein context (NP_892017.2, residues 289-309): KSRGSGEQDW[Val299=]NRPKTVRDTL

ClinVar aggregate classification (germline): Likely benign. Review status: criteria provided, single submitter (1 of 4 stars). 2 submissions from 2 submitters: Likely benign (1). 1 of the submissions does not count toward it. Last evaluated 2023-10-08.

Conditions:
IRF2BP2-related disorder. Also called: IRF2BP2-related condition.

gnomAD v4.1: 13 of 1,598,690 alleles (0.00081%); highest among the groups gnomAD compares: African/African-American, 0.0014%; 1 homozygote.

Submissions (2):

Labcorp Genetics (formerly Invitae), Labcorp
Classification: Likely benign. Last evaluated: 2023-10-08. Review status: criteria provided, single submitter. Criteria: Invitae Variant Classification Sherloc (09022015). Collection method: clinical testing. Allele origin: germline.

PreventionGenetics, part of Exact Sciences
Classification: Likely benign for IRF2BP2-related condition. Last evaluated: 2019-06-05. Review status: no assertion criteria provided. Collection method: clinical testing. Allele origin: germline. Not counted in ClinVar's aggregate classification.
Comment: This variant is classified as likely benign based on ACMG/AMP sequence variant interpretation guidelines (Richards et al. 2015 PMID: 25741868, with internal and published modifications).